The following is an entry in ClinVar:

ClinVar aggregate classification (germline): Uncertain significance (1 of 4 stars; one submission).

Allele frequency attached by ClinVar (database versions not stated): gnomAD exomes 0.00002 and 0.00003; TOPMed 0.00002; ExAC 0.00003; gnomAD 0.00006; 1000 Genomes Project 0.00020; 1000 Genomes Project 30x 0.00031.
gnomAD v4.1: 44 of 1,613,978 alleles (0.0027%); highest among the groups gnomAD compares: South Asian, 0.021%; no homozygotes.

Submission:

Labcorp Genetics (formerly Invitae), Labcorp
Classification: Uncertain significance. Last evaluated: 2024-01-02. Review status: criteria provided, single submitter. Criteria: Invitae Variant Classification Sherloc (09022015). Collection method: clinical testing. Allele origin: germline.
Comment: This sequence change replaces aspartic acid, which is acidic and polar, with asparagine, which is neutral and polar, at codon 72 of the SBF1 protein (p.Asp72Asn). This variant is present in population databases (rs556200860, gnomAD 0.02%). This variant has not been reported in the literature in individuals affected with SBF1-related conditions. ClinVar contains an entry for this variant (Variation ID: 1383399). Advanced modeling of protein sequence and biophysical properties (such as structural, functional, and spatial information, amino acid conservation, physicochemical variation, residue mobility, and thermodynamic stability) performed at Invitae indicates that this missense variant is expected to disrupt SBF1 protein function with a positive predictive value of 80%. In summary, the available evidence is currently insufficient to determine the role of this variant in disease. Therefore, it has been classified as a Variant of Uncertain Significance.

NM_002972.4(SBF1):c.214G>A (p.Asp72Asn)

Gene: SBF1 (SET binding factor 1; minus strand). Cytogenetic location: 22q13.33.
Variant type: single nucleotide variant.
Coding change: c.214G>A on transcript NM_002972.4 (MANE Select); coding-DNA position 214, G replaced by A.
Protein change: p.Asp72Asn; replaces aspartic acid 72 with asparagine.
Molecular consequence: missense variant.
Genome position (GRCh38, 1-based): chr22:50,467,851, C>T on the plus strand (G>A on the coding strand, the complement: SBF1 is on the minus strand). VCF-style: chr22-50467851-C-T. GRCh37 (hg19) VCF-style: chr22-50906280-C-T.
Other names: c.214G>A, p.Asp72Asn (NM_001365819.1); short protein forms D72N.
Identifiers: ClinVar variation 1383399 (VCV001383399.4), dbSNP rs556200860, ClinGen allele CA10318193.